The following is an entry in ClinVar:

NM_004415.4(DSP):c.3038_3039del (p.Tyr1013fs)

Gene: DSP (desmoplakin; plus strand). Cytogenetic location: 6p24.3.
Variant type: Deletion.
Coding change: c.3038_3039del on transcript NM_004415.4 (MANE Select); coding-DNA positions 3038 to 3039, 2 bases deleted (AT; older notation c.3038_3039delAT).
Protein change: p.Tyr1013fs; shifts the reading frame from tyrosine 1013.
Molecular consequence: frameshift variant.
Genome position (GRCh38, 1-based): chr6:7,578,516-7,578,517, AT deleted; deleting any 2 consecutive bases within chr6:7,578,515-7,578,517 gives the same sequence; the c. name uses the placement nearest the transcript's 3' end. VCF-style (leftmost placement, unchanged base first): chr6-7578514-CTA-C. GRCh37 (hg19) VCF-style: chr6-7578747-CTA-C.
Other names: c.3038_3039del, p.Tyr1013fs (NM_001008844.3, NM_001319034.2); short protein forms Y1013fs.
Identifiers: ClinVar variation 3753002 (VCV003753002.2).

ClinVar aggregate classification (germline): Pathogenic (1 of 4 stars; one submission).

Conditions:
Arrhythmogenic cardiomyopathy with wooly hair and keratoderma. Also called: Dilated cardiomyopathy with woolly hair and keratoderma; PALMOPLANTAR KERATODERMA WITH LEFT VENTRICULAR CARDIOMYOPATHY AND WOOLLY HAIR; Carvajal syndrome; Arrhythmogenic cardiomyopathy with woolly hair and keratoderma. Identifiers: Orphanet 65282, MedGen C1854063, MONDO:0011581, OMIM 605676.
Arrhythmogenic right ventricular dysplasia 8 (ARVD8). Also called: Arrhythmogenic Right Ventricular Dysplasia/Cardiomyopathy 8; ARRHYTHMOGENIC RIGHT VENTRICULAR DYSPLASIA, FAMILIAL, 8; ARRHYTHMOGENIC RIGHT VENTRICULAR CARDIOMYOPATHY 8. Identifiers: MedGen C1843896, MONDO:0011831, OMIM 607450.

Submission:

Labcorp Genetics (formerly Invitae), Labcorp
Classification: Pathogenic for Arrhythmogenic cardiomyopathy with wooly hair and keratoderma; Arrhythmogenic right ventricular dysplasia 8. Last evaluated: 2024-06-04. Review status: criteria provided, single submitter. Criteria: Invitae Variant Classification Sherloc (09022015). Collection method: clinical testing. Allele origin: germline.
Comment: This sequence change creates a premature translational stop signal (p.Tyr1013Leufs*6) in the DSP gene. It is expected to result in an absent or disrupted protein product. Loss-of-function variants in DSP are known to be pathogenic (PMID: 20716751, 24503780, 25227139). This variant is not present in population databases (gnomAD no frequency). This variant has not been reported in the literature in individuals affected with DSP-related conditions. For these reasons, this variant has been classified as Pathogenic.

Literature cited by the submitters: PubMed 20716751; PubMed 24503780; PubMed 25227139.